The following is an entry in ClinVar:

NM_004656.4(BAP1):c.565T>A (p.Tyr189Asn)

Gene: BAP1 (BRCA1 associated deubiquitinase 1; minus strand). Cytogenetic location: 3p21.1.
Variant type: single nucleotide variant.
Coding change: c.565T>A on transcript NM_004656.4 (MANE Select); coding-DNA position 565, T replaced by A.
Protein change: p.Tyr189Asn; replaces tyrosine 189 with asparagine.
Molecular consequence: missense variant.
Genome position (GRCh38, 1-based): chr3:52,407,189, A>T on the plus strand (T>A on the coding strand, the complement: BAP1 is on the minus strand). VCF-style: chr3-52407189-A-T. GRCh37 (hg19) VCF-style: chr3-52441205-A-T.
Other names: c.565T>A, p.Tyr189Asn (NM_001410772.1); short protein forms Y189N.
Identifiers: ClinVar variation 5032758 (VCV005032758.1).

ClinVar aggregate classification (germline): Uncertain significance (1 of 4 stars; one submission).

Conditions:
Hereditary cancer-predisposing syndrome. Also called: Neoplastic Syndromes, Hereditary; Tumor predisposition; Hereditary neoplastic syndrome; Hereditary Cancer Syndrome. Identifiers: Orphanet 140162, MedGen C0027672, MeSH D009386, MONDO:0015356.

Submission:

Ambry Genetics
Classification: Uncertain significance for Hereditary cancer-predisposing syndrome. Last evaluated: 2026-08-26. Review status: criteria provided, single submitter. Criteria: Ambry Variant Classification Scheme 2023. Collection method: clinical testing. Allele origin: germline.
Comment: The p.Y189N variant (also known as c.565T>A), located in coding exon 7 of the BAP1 gene, results from a T to A substitution at nucleotide position 565. The tyrosine at codon 189 is replaced by asparagine, an amino acid with dissimilar properties. This amino acid position is conserved. In addition, the in silico prediction for this alteration is inconclusive. Based on the available evidence, the clinical significance of this variant remains unclear.